The following is an entry in ClinVar:

ClinVar aggregate classification (germline): Uncertain significance (1 of 4 stars; one submission).

Conditions:
Hereditary cancer-predisposing syndrome. Also called: Neoplastic Syndromes, Hereditary; Tumor predisposition; Hereditary Cancer Syndrome; Hereditary neoplastic syndrome. Identifiers: Orphanet 140162, MedGen C0027672, MeSH D009386, MONDO:0015356.

Submission:

Ambry Genetics
Classification: Uncertain significance for Hereditary cancer-predisposing syndrome. Last evaluated: 2025-10-07. Review status: criteria provided, single submitter. Criteria: Ambry Variant Classification Scheme 2023. Collection method: clinical testing. Allele origin: germline.
Comment: The p.E409G variant (also known as c.1226A>G), located in coding exon 12 of the FANCC gene, results from an A to G substitution at nucleotide position 1226. The glutamic acid at codon 409 is replaced by glycine, an amino acid with similar properties. This amino acid position is conserved. In addition, the in silico prediction for this alteration is inconclusive. Based on the available evidence, the clinical significance of this variant remains unclear.

NM_000136.3(FANCC):c.1226A>G (p.Glu409Gly)

Genes: AOPEP (aminopeptidase O (putative); plus strand), FANCC (FA complementation group C; minus strand). Cytogenetic location: 9q22.32.
Variant type: single nucleotide variant.
Coding change: c.1226A>G on transcript NM_000136.3 (MANE Select); coding-DNA position 1226, A replaced by G.
Protein change: p.Glu409Gly; replaces glutamic acid 409 with glycine.
Molecular consequence: missense variant.
Genome position (GRCh38, 1-based): chr9:95,111,566, T>C on the plus strand (A>G on the coding strand, the complement: FANCC is on the minus strand). VCF-style: chr9-95111566-T-C. GRCh37 (hg19) VCF-style: chr9-97873848-T-C.
Other names: c.1226A>G, p.Glu409Gly (NM_001243743.2, NM_001243744.2); short protein forms E409G.
Identifiers: ClinVar variation 4641054 (VCV004641054.1).